The following is an entry in ClinVar:

ClinVar aggregate classification (germline): Uncertain significance. Review status: criteria provided, multiple submitters, no conflicts (2 of 4 stars). 2 submissions from 2 submitters: Uncertain significance (2). Last evaluated 2025-10-29.

Conditions:
Retinitis pigmentosa (RP). Identifiers: Orphanet 791, MedGen C0035334, MeSH D012174, MONDO:0019200, OMIM 268000. Inheritance: Autosomal dominant, autosomal recessive and X linked inheritance.

Allele frequency attached by ClinVar (database versions not stated): gnomAD exomes below 0.00001 and 0.00001; gnomAD 0.00001; TOPMed 0.00001.
gnomAD v4.1: 12 of 1,613,988 alleles (0.00074%); highest among the groups gnomAD compares: African/African-American, 0.0067%; no homozygotes.

Submissions (2):

Labcorp Genetics (formerly Invitae), Labcorp
Classification: Uncertain significance. Last evaluated: 2025-10-29. Review status: criteria provided, single submitter. Criteria: Invitae Variant Classification Sherloc (09022015). Collection method: clinical testing. Allele origin: germline.
Comment: This sequence change replaces arginine, which is basic and polar, with tryptophan, which is neutral and slightly polar, at codon 223 of the ROM1 protein (p.Arg223Trp). This variant is present in population databases (no rsID available, gnomAD 0.003%). This missense change has been observed in individual(s) with retinitis pigmentosa (PMID: 24938718). ClinVar contains an entry for this variant (Variation ID: 879376). Invitae Evidence Modeling of protein sequence and biophysical properties (such as structural, functional, and spatial information, amino acid conservation, physicochemical variation, residue mobility, and thermodynamic stability) indicates that this missense variant is not expected to disrupt ROM1 protein function with a negative predictive value of 80%. In summary, the available evidence is currently insufficient to determine the role of this variant in disease. Therefore, it has been classified as a Variant of Uncertain Significance.

Illumina Laboratory Services, Illumina
Classification: Uncertain significance for Retinitis pigmentosa. Last evaluated: 2017-05-04. Review status: criteria provided, single submitter. Criteria: ICSL Variant Classification Criteria 13 December 2019. Collection method: clinical testing. Allele origin: germline.
Comment: This variant was observed as part of a predisposition screen in an ostensibly healthy population. A literature search was performed for the gene, cDNA change, and amino acid change (where applicable). Publications were found based on this search. However, the evidence from the literature, in combination with allele frequency data from public databases where available, was not sufficient to rule this variant in or out of causing disease. Therefore, this variant is classified as a variant of unknown significance.

Literature cited by the submitters: PubMed 24938718 (cited by Labcorp Genetics (formerly Invitae), Labcorp and Illumina Laboratory Services, Illumina).

NM_000327.4(ROM1):c.667C>T (p.Arg223Trp)

Gene: ROM1 (retinal outer segment membrane protein 1; plus strand). Cytogenetic location: 11q12.3.
Variant type: single nucleotide variant.
Coding change: c.667C>T on transcript NM_000327.4 (MANE Select); coding-DNA position 667, C replaced by T.
Protein change: p.Arg223Trp; replaces arginine 223 with tryptophan.
Molecular consequence: missense variant.
Genome position (GRCh38, 1-based): chr11:62,614,334, C>T. VCF-style: chr11-62614334-C-T. GRCh37 (hg19) VCF-style: chr11-62381806-C-T.
Other names: short protein forms R223W.
Identifiers: ClinVar variation 879376 (VCV000879376.7), dbSNP rs1204988981, ClinGen allele CA380971737.